The following is an entry in ClinVar:

ClinVar aggregate classification (germline): Uncertain significance (1 of 4 stars; one submission).

Submission:

GeneDx
Classification: Uncertain significance. Last evaluated: 2022-03-18. Review status: criteria provided, single submitter. Criteria: GeneDx Variant Classification Process June 2021. Collection method: clinical testing. Allele origin: germline. Affected: yes.
Comment: Not observed at significant frequency in large population cohorts (gnomAD); In silico analysis supports that this missense variant has a deleterious effect on protein structure/function; Has not been previously published as pathogenic or benign to our knowledge

NM_018026.4(PACS1):c.620G>A (p.Gly207Asp)

Gene: PACS1 (phosphofurin acidic cluster sorting protein 1; plus strand). Cytogenetic location: 11q13.2.
Variant type: single nucleotide variant.
Coding change: c.620G>A on transcript NM_018026.4 (MANE Select); coding-DNA position 620, G replaced by A.
Protein change: p.Gly207Asp; replaces glycine 207 with aspartic acid.
Molecular consequence: missense variant.
Genome position (GRCh38, 1-based): chr11:66,211,219, G>A. VCF-style: chr11-66211219-G-A. GRCh37 (hg19) VCF-style: chr11-65978690-G-A.
Other names: short protein forms G207D.
Identifiers: ClinVar variation 1706329 (VCV001706329.2), dbSNP rs2495539209, ClinGen allele CA381342616.